The following is an entry in ClinVar:

NM_004360.5(CDH1):c.427C>T (p.Pro143Ser)

Gene: CDH1 (cadherin 1; plus strand). Cytogenetic location: 16q22.1.
Variant type: single nucleotide variant.
Coding change: c.427C>T on transcript NM_004360.5 (MANE Select); coding-DNA position 427, C replaced by T.
Protein change: p.Pro143Ser; replaces proline 143 with serine.
Molecular consequence: missense variant. On other transcripts: 5 prime UTR variant (2).
Genome position (GRCh38, 1-based): chr16:68,808,463, C>T. VCF-style: chr16-68808463-C-T. GRCh37 (hg19) VCF-style: chr16-68842366-C-T.
Other names: c.427C>T, p.Pro143Ser (NM_001317184.2); c.-1189C>T (NM_001317185.2); c.-1393C>T (NM_001317186.2); c.427C>T (LRG_301t1); short protein forms P143S.
Identifiers: ClinVar variation 234803 (VCV000234803.11), dbSNP rs876661226, ClinGen allele CA10577536.
Genomic context (GRCh38, chr16:68,808,463, plus strand): 5'-CCTCATCTTCTTTCCTTTTAGGCCTCCGTTTCTGGAATCCAAGCAGAATTGCTCACATTT[C>T]CCAACTCCTCTCCTGGCCTCAGAAGACAGAAGAGAGACTGGGTTATTCCTCCCATCAGCT-3'
Protein context (NP_004351.1, residues 133-153): SGIQAELLTF[Pro143Ser]NSSPGLRRQK

ClinVar aggregate classification (germline): Conflicting classifications of pathogenicity. Review status: criteria provided, conflicting classifications (1 of 4 stars). 4 submissions from 4 submitters: Uncertain significance (3); Likely benign (1). Last evaluated 2025-03-27.

Conditions:
Hereditary cancer-predisposing syndrome. Also called: Tumor predisposition; Hereditary Cancer Syndrome; Hereditary neoplastic syndrome; Neoplastic Syndromes, Hereditary. Identifiers: Orphanet 140162, MedGen C0027672, MeSH D009386, MONDO:0015356.
Hereditary diffuse gastric adenocarcinoma (HDGC). Also called: DIFFUSE GASTRIC AND LOBULAR BREAST CANCER SYNDROME. Identifiers: Orphanet 26106, MedGen C1708349, MONDO:0007648, OMIM 137215.

Allele frequency attached by ClinVar (database versions not stated): TOPMed below 0.00001; gnomAD 0.00001.
gnomAD v4.1: 2 of 1,614,020 alleles (0.00012%); highest among the groups gnomAD compares: East Asian, 0.0022%; no homozygotes.

Submissions (4):

Ambry Genetics
Classification: Likely benign for Hereditary cancer-predisposing syndrome. Last evaluated: 2025-03-27. Review status: criteria provided, single submitter. Criteria: Ambry Variant Classification Scheme 2023. Collection method: clinical testing. Allele origin: germline.

Labcorp Genetics (formerly Invitae), Labcorp
Classification: Uncertain significance for Hereditary diffuse gastric adenocarcinoma. Last evaluated: 2022-07-06. Review status: criteria provided, single submitter. Criteria: Invitae Variant Classification Sherloc (09022015). Collection method: clinical testing. Allele origin: germline.
Comment: This sequence change replaces proline, which is neutral and non-polar, with serine, which is neutral and polar, at codon 143 of the CDH1 protein (p.Pro143Ser). This variant is present in population databases (no rsID available, gnomAD 0.06%). This variant has not been reported in the literature in individuals affected with CDH1-related conditions. ClinVar contains an entry for this variant (Variation ID: 234803). Algorithms developed to predict the effect of missense changes on protein structure and function are either unavailable or do not agree on the potential impact of this missense change (SIFT: "Tolerated"; PolyPhen-2: "Probably Damaging"; Align-GVGD: "Class C0"). In summary, the available evidence is currently insufficient to determine the role of this variant in disease. Therefore, it has been classified as a Variant of Uncertain Significance.

Color Diagnostics, LLC DBA Color Health
Classification: Uncertain significance for Hereditary cancer-predisposing syndrome. Last evaluated: 2019-06-04. Review status: criteria provided, single submitter. Criteria: ACMG Guidelines, 2015. Collection method: clinical testing. Allele origin: germline.

GeneDx
Classification: Uncertain significance. Last evaluated: 2016-01-29. Review status: criteria provided, single submitter. Criteria: GeneDx Variant Classification (06012015). Collection method: clinical testing. Allele origin: germline. Affected: yes.
Comment: This variant is denoted CDH1 c.427C>T at the cDNA level, p.Pro143Ser (P143S) at the protein level, and results in the change of a Proline to a Serine (CCC>TCC). This variant has not, to our knowledge, been published in the literature as pathogenic or benign. CDH1 Pro143Ser was not observed in approximately 6,500 individuals of European and African American ancestry in the NHLBI Exome Sequencing Project, suggesting it is not a common benign variant in these populations. Since Proline and Serine differ in polarity, charge, size or other properties, this is considered a non-conservative amino acid substitution. CDH1 Pro143Ser occurs at a position that is not conserved and is located in the precursor domain (Figuereido 2013). In silico analyses are inconsistent regarding the effect this variant may have on protein structure and function. Based on currently available evidence, it is unclear whether CDH1 Pro143Ser is a pathogenic or benign variant. We consider it to be a variant of uncertain significance.